The following is an entry in ClinVar:

ClinVar aggregate classification (germline): Uncertain significance (1 of 4 stars; one submission).

Submission:

Women's Health and Genetics/Laboratory Corporation of America, LabCorp
Classification: Uncertain significance. Last evaluated: 2020-06-09. Review status: criteria provided, single submitter. Criteria: LabCorp Variant Classification Summary - May 2015. Collection method: clinical testing. Allele origin: germline.
Comment: Variant summary: HBB c.316-60C>T is located at a position not widely known to affect splicing. 4/4 computational tools predict no significant impact on normal splicing. However, these predictions have yet to be confirmed by functional studies. The variant was absent in 249702 control chromosomes (gnomAD). The available data on variant occurrences in the general population are insufficient to allow any conclusion about variant significance. To our knowledge, no occurrence of c.316-60C>T in individuals affected with Hemoglobinopathy and no experimental evidence demonstrating its impact on protein function have been reported. There are several other variants reported in this intronic region in both HGMD and ClinVar databases (e.g. c.316-90A>G, c.316-70C>G). No clinical diagnostic laboratories have submitted clinical-significance assessments for this variant to ClinVar after 2014. Based on the evidence outlined above, the variant was classified as uncertain significance.

NM_000518.5(HBB):c.316-60C>T

Genes: HBB (hemoglobin subunit beta; minus strand), LOC107133510 (origin of replication at HBB; plus strand), LOC110006319 (beta-globin gene 3' regulatory region; plus strand). Cytogenetic location: 11p15.4.
Variant type: single nucleotide variant.
Coding change: c.316-60C>T on transcript NM_000518.5 (MANE Select); 60 bases into the intron before coding-DNA position 316, C replaced by T.
Molecular consequence: intron variant.
Genome position (GRCh38, 1-based): chr11:5,225,786, G>A on the plus strand (C>T on the coding strand, the complement: HBB is on the minus strand). VCF-style: chr11-5225786-G-A. GRCh37 (hg19) VCF-style: chr11-5247016-G-A.
Identifiers: ClinVar variation 933153 (VCV000933153.1), dbSNP rs1847533961, ClinGen allele CA1139661789.